The following is an entry in ClinVar:

NM_052874.5(STX1B):c.463A>G (p.Thr155Ala)

Gene: STX1B (syntaxin 1B; minus strand). Cytogenetic location: 16p11.2.
Variant type: single nucleotide variant.
Coding change: c.463A>G on transcript NM_052874.5 (MANE Select); coding-DNA position 463, A replaced by G.
Protein change: p.Thr155Ala; replaces threonine 155 with alanine.
Molecular consequence: missense variant.
Genome position (GRCh38, 1-based): chr16:30,996,951, T>C on the plus strand (A>G on the coding strand, the complement: STX1B is on the minus strand). VCF-style: chr16-30996951-T-C. GRCh37 (hg19) VCF-style: chr16-31008272-T-C.
Other names: c.463A>G (NM_052874.3); short protein forms T155A.
Identifiers: ClinVar variation 542094 (VCV000542094.11), dbSNP rs1327694789, ClinGen allele CA395648862.

ClinVar aggregate classification (germline): Uncertain significance. Review status: criteria provided, multiple submitters, no conflicts (2 of 4 stars). 3 submissions from 3 submitters: Uncertain significance (2). 1 of the submissions does not count toward it. Last evaluated 2025-03-01.

Conditions:
Generalized epilepsy with febrile seizures plus, type 9 (GEFSP9). Also called: GEFS+, TYPE 9. Identifiers: Orphanet 36387, MedGen C4015395, MONDO:0014517, OMIM 616172.
STX1B-related disorder. Also called: STX1B-related condition.

Allele frequency attached by ClinVar (database versions not stated): gnomAD exomes below 0.00001 and 0.00003; gnomAD 0.00002 and 0.00003; TOPMed 0.00002.
gnomAD v4.1: 49 of 1,612,528 alleles (0.003%); highest among the groups gnomAD compares: Non-Finnish European, 0.0041%; no homozygotes.

Submissions (3):

Labcorp Genetics (formerly Invitae), Labcorp
Classification: Uncertain significance for Generalized epilepsy with febrile seizures plus, type 9. Last evaluated: 2025-03-01. Review status: criteria provided, single submitter. Criteria: Invitae Variant Classification Sherloc (09022015). Collection method: clinical testing. Allele origin: germline.
Comment: This sequence change replaces threonine, which is neutral and polar, with alanine, which is neutral and non-polar, at codon 155 of the STX1B protein (p.Thr155Ala). This variant is present in population databases (no rsID available, gnomAD 0.002%). This variant has not been reported in the literature in individuals affected with STX1B-related conditions. ClinVar contains an entry for this variant (Variation ID: 542094). An algorithm developed to predict the effect of missense changes on protein structure and function (PolyPhen-2) suggests that this variant is likely to be tolerated. In summary, the available evidence is currently insufficient to determine the role of this variant in disease. Therefore, it has been classified as a Variant of Uncertain Significance.

GeneDx
Classification: Uncertain significance. Last evaluated: 2023-01-15. Review status: criteria provided, single submitter. Criteria: GeneDx Variant Classification Process June 2021. Collection method: clinical testing. Allele origin: germline. Affected: yes.
Comment: In silico analysis supports that this missense variant has a deleterious effect on protein structure/function; Has not been previously published as pathogenic or benign to our knowledge

PreventionGenetics, part of Exact Sciences
Classification: Uncertain significance for STX1B-related condition. Last evaluated: 2024-05-24. Review status: no assertion criteria provided. Collection method: clinical testing. Allele origin: germline. Not counted in ClinVar's aggregate classification.
Comment: The STX1B c.463A>G variant is predicted to result in the amino acid substitution p.Thr155Ala. To our knowledge, this variant has not been reported in the literature. This variant is reported in 0.0023% of alleles in individuals of European (Non-Finnish) descent in gnomAD. At this time, the clinical significance of this variant is uncertain due to the absence of conclusive functional and genetic evidence.